The following is an entry in ClinVar:

ClinVar aggregate classification (germline): Pathogenic/Likely pathogenic. Review status: criteria provided, multiple submitters, no conflicts (2 of 4 stars). 2 submissions from 2 submitters: Pathogenic (1); Likely pathogenic (1). Last evaluated 2024-06-05.

Conditions:
Charcot-Marie-Tooth disease type 2. Also called: Charcot-Marie-Tooth type 2. Identifiers: Orphanet 64746, MedGen C0270914, MONDO:0018993.
Congenital generalized lipodystrophy type 2 (CGL2). Also called: BERARDINELLI SYNDROME; BRUNZELL SYNDROME, BSCL2-RELATED; SEIP SYNDROME; Berardinelli-Seip Congenital Lipodystrophy Type 2. Identifiers: Orphanet 528, Orphanet 696289, MedGen C1720863, MONDO:0010020, OMIM 269700.
Severe neurodegenerative syndrome with lipodystrophy. Also called: ENCEPHALOPATHY, PROGRESSIVE, WITH LIPODYSTROPHY; Encephalopathy, progressive, with or without lipodystrophy. Identifiers: Orphanet 363400, MedGen C4014700, MONDO:0014402, OMIM 615924.
Neuronopathy, distal hereditary motor, type 5C. Also called: DHMN VC; NEURONOPATHY, DISTAL HEREDITARY MOTOR, HARDING TYPE VC; NEUROPATHY, DISTAL HEREDITARY MOTOR, HARDING TYPE VC; SPINAL MUSCULAR ATROPHY, DISTAL, HARDING TYPE VC; NEURONOPATHY, DISTAL HEREDITARY MOTOR, AUTOSOMAL DOMINANT 13. Identifiers: MedGen C5436838, MONDO:0030860, OMIM 619112.
Hereditary spastic paraplegia 17. Also called: Silver spastic paraplegia syndrome; Spastic Paraplegia 17; Autosomal dominant spastic paraplegia type 17; Silver Syndrome; SPASTIC PARAPLEGIA WITH AMYOTROPHY OF HANDS AND FEET. Identifiers: Orphanet 100998, MedGen C2931276, MONDO:0010043, OMIM 270685.

Submissions (2):

Fulgent Genetics
Classification: Likely pathogenic for Congenital generalized lipodystrophy type 2; Hereditary spastic paraplegia 17; Severe neurodegenerative syndrome with lipodystrophy; Neuronopathy, distal hereditary motor, type 5C. Last evaluated: 2024-06-05. Review status: criteria provided, single submitter. Criteria: ACMG Guidelines, 2015. Collection method: clinical testing. Allele origin: germline.

Labcorp Genetics (formerly Invitae), Labcorp
Classification: Pathogenic for Charcot-Marie-Tooth disease type 2. Last evaluated: 2023-09-25. Review status: criteria provided, single submitter. Criteria: Invitae Variant Classification Sherloc (09022015). Collection method: clinical testing. Allele origin: germline.
Comment: This sequence change results in a frameshift in the BSCL2 gene (p.Arg390Leufs*16). While this is not anticipated to result in nonsense mediated decay, it is expected to disrupt the last 9 amino acid(s) of the BSCL2 protein and extend the protein by 6 additional amino acid residues. This variant is present in population databases (rs779154593, gnomAD 0.02%). This variant has not been reported in the literature in individuals affected with BSCL2-related conditions. ClinVar contains an entry for this variant (Variation ID: 947075). This variant disrupts a region of the BSCL2 protein in which other variant(s) (p.Gln391*) have been determined to be pathogenic (PMID: 19226263, 24024128). This suggests that this is a clinically significant region of the protein, and that variants that disrupt it are likely to be disease-causing. For these reasons, this variant has been classified as Pathogenic.

Literature cited by the submitters: PubMed 19226263 (cited by Labcorp Genetics (formerly Invitae), Labcorp); PubMed 24024128 (cited by Labcorp Genetics (formerly Invitae), Labcorp).

NM_001122955.4(BSCL2):c.1361_1386del (p.Arg454fs)

Genes: BSCL2 (BSCL2 lipid droplet biogenesis associated, seipin; minus strand), HNRNPUL2-BSCL2 (HNRNPUL2-BSCL2 readthrough (NMD candidate); minus strand). Cytogenetic location: 11q12.3.
Variant type: Deletion.
Coding change: c.1361_1386del on transcript NM_001122955.4 (MANE Select); coding-DNA positions 1361 to 1386, 26 bases deleted (GACAGCGCCCCACCTGCTCTAGTTCC).
Protein change: p.Arg454fs; shifts the reading frame from arginine 454.
Molecular consequence: frameshift variant. On other transcripts: non-coding transcript variant (1), 3 prime UTR variant (1).
Genome position (GRCh38, 1-based): chr11:62,690,370-62,690,395, GGAACTAGAGCAGGTGGGGCGCTGTC deleted on the plus strand (GACAGCGCCCCACCTGCTCTAGTTCC on the coding strand, the reverse complement: BSCL2 is on the minus strand); deleting any 26 consecutive bases within chr11:62,690,370-62,690,398 gives the same sequence; the c. name uses the placement nearest the transcript's 3' end. VCF-style (leftmost placement, unchanged base first): chr11-62690369-AGGAACTAGAGCAGGTGGGGCGCTGTC-A. GRCh37 (hg19) VCF-style: chr11-62457841-AGGAACTAGAGCAGGTGGGGCGCTGTC-A.
Other names: c.*163_*188del (NM_001130702.2); c.1367_1392del, p.Arg456fs (NM_001386027.1); c.1361_1386del, p.Arg454fs (NM_001386028.1); c.1169_1194del, p.Arg390fs (NM_032667.6); short protein forms R390fs, R454fs, R456fs.
Identifiers: ClinVar variation 947075 (VCV000947075.10), dbSNP rs779154593, ClinGen allele CA6053235.